The following is an entry in ClinVar:

NM_004446.3(EPRS1):c.3974C>A (p.Ala1325Glu)

Gene: EPRS1 (glutamyl-prolyl-tRNA synthetase 1; minus strand). Cytogenetic location: 1q41.
Variant type: single nucleotide variant.
Coding change: c.3974C>A on transcript NM_004446.3 (MANE Select); coding-DNA position 3974, C replaced by A.
Protein change: p.Ala1325Glu; replaces alanine 1325 with glutamic acid.
Molecular consequence: missense variant.
Genome position (GRCh38, 1-based): chr1:219,978,655, G>T on the plus strand (C>A on the coding strand, the complement: EPRS1 is on the minus strand). VCF-style: chr1-219978655-G-T. GRCh37 (hg19) VCF-style: chr1-220151997-G-T.
Other names: short protein forms A1325E.
Identifiers: ClinVar variation 1940967 (VCV001940967.5), dbSNP rs1558270766, ClinGen allele CA344630479.

ClinVar aggregate classification (germline): Uncertain significance (1 of 4 stars; one submission).

Allele frequency attached by ClinVar (database versions not stated): gnomAD exomes below 0.00001.
gnomAD v4.1: 2 of 1,612,258 alleles (0.00012%); highest among the groups gnomAD compares: Non-Finnish European, 0.00017%; no homozygotes.

Submission:

Labcorp Genetics (formerly Invitae), Labcorp
Classification: Uncertain significance. Last evaluated: 2022-06-26. Review status: criteria provided, single submitter. Criteria: Invitae Variant Classification Sherloc (09022015). Collection method: clinical testing. Allele origin: germline.
Comment: In summary, the available evidence is currently insufficient to determine the role of this variant in disease. Therefore, it has been classified as a Variant of Uncertain Significance. Algorithms developed to predict the effect of missense changes on protein structure and function output the following: SIFT: "Tolerated"; PolyPhen-2: "Benign"; Align-GVGD: "Class C0". The glutamic acid amino acid residue is found in multiple mammalian species, which suggests that this missense change does not adversely affect protein function. This variant has not been reported in the literature in individuals affected with EPRS-related conditions. This variant is not present in population databases (gnomAD no frequency). This sequence change replaces alanine, which is neutral and non-polar, with glutamic acid, which is acidic and polar, at codon 1325 of the EPRS protein (p.Ala1325Glu).